The following is an entry in ClinVar:

NM_001035.3(RYR2):c.7955T>C (p.Leu2652Pro)

Gene: RYR2 (ryanodine receptor 2; plus strand). Cytogenetic location: 1q43.
Variant type: single nucleotide variant.
Coding change: c.7955T>C on transcript NM_001035.3 (MANE Select); coding-DNA position 7955, T replaced by C.
Protein change: p.Leu2652Pro; replaces leucine 2652 with proline.
Molecular consequence: missense variant.
Genome position (GRCh38, 1-based): chr1:237,654,404, T>C. VCF-style: chr1-237654404-T-C. GRCh37 (hg19) VCF-style: chr1-237817704-T-C.
Other names: short protein forms L2652P.
Identifiers: ClinVar variation 1404889 (VCV001404889.7), dbSNP rs748531950, ClinGen allele CA087529.
Genomic context (GRCh38, chr1:237,654,404, plus strand): 5'-CTGCCTCAGAAGAAGAACTTCATTTATCAAGAAAGTTGTTCTGGGGCATTTTTGATGCCC[T>C]GTCTCAAAAGGTAATTTAATGGTTTGTGGGTTTGTTTGTATCAATAAAATGGTATAGAGC-3'
Protein context (NP_001026.2, residues 2642-2662): RKLFWGIFDA[Leu2652Pro]SQKKYEQELF

ClinVar aggregate classification (germline): Uncertain significance (1 of 4 stars; one submission).

Conditions:
Catecholaminergic polymorphic ventricular tachycardia 1. Also called: VENTRICULAR TACHYCARDIA, STRESS-INDUCED POLYMORPHIC 1; VENTRICULAR TACHYCARDIA, CATECHOLAMINERGIC POLYMORPHIC, 1, WITH OR WITHOUT ATRIAL DYSFUNCTION AND/OR DILATED CARDIOMYOPATHY; RYR2-Related Catecholaminergic Polymorphic Ventricular Tachycardia. Identifiers: Orphanet 3286, MedGen C1631597, MONDO:0011484, OMIM 604772.

Allele frequency attached by ClinVar (database versions not stated): ExAC 0.00001; gnomAD exomes 0.00001.
gnomAD v4.1: 8 of 1,613,896 alleles (0.0005%); highest among the groups gnomAD compares: South Asian, 0.0088%; no homozygotes.

Submission:

Labcorp Genetics (formerly Invitae), Labcorp
Classification: Uncertain significance for Catecholaminergic polymorphic ventricular tachycardia 1. Last evaluated: 2022-01-14. Review status: criteria provided, single submitter. Criteria: Invitae Variant Classification Sherloc (09022015). Collection method: clinical testing. Allele origin: germline.
Comment: In summary, the available evidence is currently insufficient to determine the role of this variant in disease. Therefore, it has been classified as a Variant of Uncertain Significance. Advanced modeling of protein sequence and biophysical properties (such as structural, functional, and spatial information, amino acid conservation, physicochemical variation, residue mobility, and thermodynamic stability) performed at Invitae indicates that this missense variant is expected to disrupt RYR2 protein function. This variant has not been reported in the literature in individuals affected with RYR2-related conditions. This variant is present in population databases (rs748531950, gnomAD 0.006%). This sequence change replaces leucine, which is neutral and non-polar, with proline, which is neutral and non-polar, at codon 2652 of the RYR2 protein (p.Leu2652Pro).